The following is an entry in ClinVar:

ClinVar aggregate classification (germline): Uncertain significance (1 of 4 stars; one submission).

Allele frequency attached by ClinVar (database versions not stated): gnomAD exomes below 0.00001.
gnomAD v4.1: 2 of 1,609,086 alleles (0.00012%); highest among the groups gnomAD compares: East Asian, 0.0022%; no homozygotes.

Submission:

Labcorp Genetics (formerly Invitae), Labcorp
Classification: Uncertain significance. Last evaluated: 2022-07-19. Review status: criteria provided, single submitter. Criteria: Invitae Variant Classification Sherloc (09022015). Collection method: clinical testing. Allele origin: germline.
Comment: This variant is not present in population databases (gnomAD no frequency). This sequence change replaces leucine, which is neutral and non-polar, with valine, which is neutral and non-polar, at codon 822 of the IL12RB2 protein (p.Leu822Val). This variant has not been reported in the literature in individuals affected with IL12RB2-related conditions. In summary, the available evidence is currently insufficient to determine the role of this variant in disease. Therefore, it has been classified as a Variant of Uncertain Significance. Algorithms developed to predict the effect of missense changes on protein structure and function (SIFT, PolyPhen-2, Align-GVGD) all suggest that this variant is likely to be tolerated.

NM_001374259.2(IL12RB2):c.2464C>G (p.Leu822Val)

Gene: IL12RB2 (interleukin 12 receptor subunit beta 2; plus strand). Cytogenetic location: 1p31.3.
Variant type: single nucleotide variant.
Coding change: c.2464C>G on transcript NM_001374259.2 (MANE Select); coding-DNA position 2464, C replaced by G.
Protein change: p.Leu822Val; replaces leucine 822 with valine.
Molecular consequence: missense variant. On other transcripts: 3 prime UTR variant (3), non-coding transcript variant (2).
Genome position (GRCh38, 1-based): chr1:67,395,964, C>G. VCF-style: chr1-67395964-C-G. GRCh37 (hg19) VCF-style: chr1-67861647-C-G.
Other names: c.*384C>G (NM_001258214.1, NM_001319233.1); c.2206C>G, p.Leu736Val (NM_001258215.1); c.*365C>G (NM_001258216.1); c.2464C>G, p.Leu822Val (NM_001559.3); short protein forms L736V, L822V.
Identifiers: ClinVar variation 2186662 (VCV002186662.4), dbSNP rs2523558942, ClinGen allele CA340735807.